The following is an entry in ClinVar:

NM_001040716.2(PC):c.316G>T (p.Ala106Ser)

Gene: PC (pyruvate carboxylase; minus strand). Cytogenetic location: 11q13.2.
Variant type: single nucleotide variant.
Coding change: c.316G>T on transcript NM_001040716.2 (MANE Select); coding-DNA position 316, G replaced by T.
Protein change: p.Ala106Ser; replaces alanine 106 with serine.
Molecular consequence: missense variant.
Genome position (GRCh38, 1-based): chr11:66,871,692, C>A on the plus strand (G>T on the coding strand, the complement: PC is on the minus strand). VCF-style: chr11-66871692-C-A. GRCh37 (hg19) VCF-style: chr11-66639163-C-A.
Other names: c.316G>T, p.Ala106Ser (NM_000920.4, NM_022172.3); short protein forms A106S.
Identifiers: ClinVar variation 1487004 (VCV001487004.8), dbSNP rs868221703, ClinGen allele CA224095739.

ClinVar aggregate classification (germline): Uncertain significance (1 of 4 stars; one submission).

Conditions:
Pyruvate carboxylase deficiency. Also called: ATAXIA WITH LACTIC ACIDOSIS II; Pyruvate Carboxylase Deficiency Disease; LEIGH NECROTIZING ENCEPHALOPATHY DUE TO PYRUVATE CARBOXYLASE DEFICIENCY; PC DEFICIENCY; LEIGH SYNDROME DUE TO PYRUVATE CARBOXYLASE DEFICIENCY. Identifiers: Orphanet 3008, MedGen C0034341, MONDO:0009949, OMIM 266150.

Submission:

Labcorp Genetics (formerly Invitae), Labcorp
Classification: Uncertain significance for Pyruvate carboxylase deficiency. Last evaluated: 2021-12-03. Review status: criteria provided, single submitter. Criteria: Invitae Variant Classification Sherloc (09022015). Collection method: clinical testing. Allele origin: germline.
Comment: Algorithms developed to predict the effect of missense changes on protein structure and function are either unavailable or do not agree on the potential impact of this missense change (SIFT: "Tolerated"; PolyPhen-2: "Possibly Damaging"; Align-GVGD: "Class C0"). In summary, the available evidence is currently insufficient to determine the role of this variant in disease. Therefore, it has been classified as a Variant of Uncertain Significance. This sequence change replaces alanine, which is neutral and non-polar, with serine, which is neutral and polar, at codon 106 of the PC protein (p.Ala106Ser). This variant is not present in population databases (gnomAD no frequency). This variant has not been reported in the literature in individuals affected with PC-related conditions.